The following is an entry in ClinVar:

ClinVar aggregate classification (germline): Uncertain significance (1 of 4 stars; one submission).

Allele frequency attached by ClinVar (database versions not stated): gnomAD exomes below 0.00001; TOPMed below 0.00001; ExAC 0.00002.
gnomAD v4.1: 7 of 1,594,158 alleles (0.00044%); highest among the groups gnomAD compares: Middle Eastern, 0.017%; no homozygotes.

Submission:

Labcorp Genetics (formerly Invitae), Labcorp
Classification: Uncertain significance. Last evaluated: 2023-04-16. Review status: criteria provided, single submitter. Criteria: Invitae Variant Classification Sherloc (09022015). Collection method: clinical testing. Allele origin: germline.
Comment: In summary, the available evidence is currently insufficient to determine the role of this variant in disease. Therefore, it has been classified as a Variant of Uncertain Significance. Experimental studies and prediction algorithms are not available or were not evaluated, and the functional significance of this variant is currently unknown. This variant has not been reported in the literature in individuals affected with RHOBTB2-related conditions. This variant is present in population databases (rs758817225, gnomAD 0.001%). This sequence change replaces serine, which is neutral and polar, with phenylalanine, which is neutral and non-polar, at codon 744 of the RHOBTB2 protein (p.Ser744Phe).

NM_015178.3(RHOBTB2):c.2165C>T (p.Ser722Phe)

Gene: RHOBTB2 (Rho related BTB domain containing 2; plus strand). Cytogenetic location: 8p21.3.
Variant type: single nucleotide variant.
Coding change: c.2165C>T on transcript NM_015178.3 (MANE Select); coding-DNA position 2165, C replaced by T.
Protein change: p.Ser722Phe; replaces serine 722 with phenylalanine.
Molecular consequence: missense variant.
Genome position (GRCh38, 1-based): chr8:23,017,450, C>T. VCF-style: chr8-23017450-C-T. GRCh37 (hg19) VCF-style: chr8-22874963-C-T.
Other names: c.2231C>T, p.Ser744Phe (NM_001160036.2); c.2186C>T, p.Ser729Phe (NM_001160037.2); c.2165C>T, p.Ser722Phe (NM_001374791.1); short protein forms S722F, S729F, S744F.
Identifiers: ClinVar variation 2970472 (VCV002970472.3), dbSNP rs758817225, ClinGen allele CA4672877.